The following is an entry in ClinVar:

NM_006839.3(IMMT):c.2005T>G (p.Phe669Val)

Gene: IMMT (inner membrane mitochondrial protein; minus strand). Cytogenetic location: 2p11.2.
Variant type: single nucleotide variant.
Coding change: c.2005T>G on transcript NM_006839.3 (MANE Select); coding-DNA position 2005, T replaced by G.
Protein change: p.Phe669Val; replaces phenylalanine 669 with valine.
Molecular consequence: missense variant. On other transcripts: non-coding transcript variant (9), 3 prime UTR variant (1).
Genome position (GRCh38, 1-based): chr2:86,144,540, A>C on the plus strand (T>G on the coding strand, the complement: IMMT is on the minus strand). VCF-style: chr2-86144540-A-C. GRCh37 (hg19) VCF-style: chr2-86371663-A-C.
Other names: c.1093T>G, p.Phe365Val (NM_001400131.1, NM_001400130.1); c.1708T>G, p.Phe570Val (NM_001400137.1); c.583T>G, p.Phe195Val (NM_001400138.1); c.2002T>G, p.Phe668Val (NM_001100169.2); c.1972T>G, p.Phe658Val (NM_001100170.2); c.1999T>G, p.Phe667Val (NM_001400086.1, NM_001400087.1, NM_001400088.1); c.1996T>G, p.Phe666Val (NM_001400089.1, NM_001400100.1); c.1993T>G, p.Phe665Val (NM_001400090.1); and 18 more; short protein forms F195V, F365V, F375V, F410V, F565V, F570V, F571V, F578V.
Identifiers: ClinVar variation 4851667 (VCV004851667.1).
Genomic context (GRCh38, chr2:86,144,540, plus strand): 5'-TAAATGTGTTTATATCCTCAGGGCAGAGCTCTGGGGGCGGCTTCAGTTGCTGAGGTGGGA[A>C]TAGGAGCAGGGACTGTAGGTAGGAGAGGAAGTACTGGTACAAGCTATTTCTGGTTTCATC-3'
Protein context (NP_006830.2, residues 659-679): FLSYLQSLLL[Phe669Val]PPQQLKPPPE

ClinVar aggregate classification (germline): Uncertain significance (1 of 4 stars; one submission).

Submission:

Greenwood Genetic Center Diagnostic Laboratories, Greenwood Genetic Center
Classification: Uncertain significance. Last evaluated: 2025-02-10. Review status: criteria provided, single submitter. Criteria: ACMG Guidelines, 2015. Collection method: clinical testing. Allele origin: germline.
Comment: Gene of Uncertain Significance